The following is an entry in ClinVar:

NM_000722.4(CACNA2D1):c.2309-9T>A

Gene: CACNA2D1 (calcium voltage-gated channel auxiliary subunit alpha2delta 1; minus strand). Cytogenetic location: 7q21.11.
Variant type: single nucleotide variant.
Coding change: c.2309-9T>A on transcript NM_000722.4 (MANE Select); 9 bases into the intron before coding-DNA position 2309, T replaced by A.
Molecular consequence: intron variant.
Genome position (GRCh38, 1-based): chr7:81,968,982, A>T on the plus strand (T>A on the coding strand, the complement: CACNA2D1 is on the minus strand). VCF-style: chr7-81968982-A-T. GRCh37 (hg19) VCF-style: chr7-81598298-A-T.
Other names: c.2345-9T>A (NM_001366867.1); c.2309-9T>A (NM_000722.2).
Identifiers: ClinVar variation 463223 (VCV000463223.16), dbSNP rs370816599, ClinGen allele CA4317659.

ClinVar aggregate classification (germline): Benign/Likely benign. Review status: criteria provided, multiple submitters, no conflicts (2 of 4 stars). 4 submissions from 4 submitters: Benign (1); Likely benign (2). 1 of the submissions does not count toward it. Last evaluated 2025-12-21.

Conditions:
Brugada syndrome. Also called: Sudden Unexplained Nocturnal Death Syndrome (SUNDS); Sudden unexpected nocturnal death syndrome; Sudden Unexplained Death Syndrome; Sudden unexplained nocturnal death syndrome. Identifiers: Orphanet 130, MedGen C1142166, MONDO:0015263.
CACNA2D1-related disorder. Also called: CACNA2D1-related condition.

Allele frequency attached by ClinVar (database versions not stated): ESP Exome Variant Server 0.00015; ExAC 0.00034; gnomAD exomes 0.00035; 1000 Genomes Project 0.00040; TOPMed 0.00062; gnomAD 0.00069 and 0.00073.
gnomAD v4.1: 324 of 1,444,342 alleles (0.022%); highest among the groups gnomAD compares: African/African-American, 0.16%; 1 homozygote.

Submissions (4):

Labcorp Genetics (formerly Invitae), Labcorp
Classification: Benign for Brugada syndrome. Last evaluated: 2025-12-21. Review status: criteria provided, single submitter. Criteria: Invitae Variant Classification Sherloc (09022015). Collection method: clinical testing. Allele origin: germline.

Athena Diagnostics
Classification: Likely benign. Last evaluated: 2025-02-10. Review status: criteria provided, single submitter. Criteria: Athena Diagnostics Criteria. Collection method: clinical testing. Allele origin: unknown.
Comment: The frequency of this variant in the general population is higher than would generally be expected for pathogenic variants in this gene. Computational tools yielded predictions that this variant is unlikely to have an effect on normal RNA splicing. This nucleotide position exhibits low evolutionary conservation.

GeneDx
Classification: Likely benign. Last evaluated: 2018-11-09. Review status: criteria provided, single submitter. Criteria: GeneDx Variant Classification Process June 2021. Collection method: clinical testing. Allele origin: germline. Affected: yes.

PreventionGenetics, part of Exact Sciences
Classification: Likely benign for CACNA2D1-related condition. Last evaluated: 2024-01-10. Review status: no assertion criteria provided. Collection method: clinical testing. Allele origin: germline. Not counted in ClinVar's aggregate classification.
Comment: This variant is classified as likely benign based on ACMG/AMP sequence variant interpretation guidelines (Richards et al. 2015 PMID: 25741868, with internal and published modifications).

Literature cited by the submitters: PubMed 39838281 (cited by Athena Diagnostics).